The following is an entry in ClinVar:

ClinVar aggregate classification (germline): Likely benign (0 of 4 stars; one submission).

Conditions:
ITSN2-related disorder. Also called: ITSN2-related condition.

Allele frequency attached by ClinVar (database versions not stated): TOPMed 0.00003; gnomAD 0.00008; gnomAD exomes 0.00012; ExAC 0.00022; 1000 Genomes Project 0.00040; 1000 Genomes Project 30x 0.00047.
gnomAD v4.1: 183 of 1,612,244 alleles (0.011%); highest among the groups gnomAD compares: South Asian, 0.17%; 4 homozygotes.

Submission:

PreventionGenetics, part of Exact Sciences
Classification: Likely benign for ITSN2-related condition. Last evaluated: 2023-02-03. Review status: no assertion criteria provided. Collection method: clinical testing. Allele origin: germline.
Comment: This variant is classified as likely benign based on ACMG/AMP sequence variant interpretation guidelines (Richards et al. 2015 PMID: 25741868, with internal and published modifications).

NM_006277.3(ITSN2):c.2881C>T (p.Arg961Trp)

Gene: ITSN2 (intersectin 2; minus strand). Cytogenetic location: 2p23.3.
Variant type: single nucleotide variant.
Coding change: c.2881C>T on transcript NM_006277.3 (MANE Select); coding-DNA position 2881, C replaced by T.
Protein change: p.Arg961Trp; replaces arginine 961 with tryptophan.
Molecular consequence: missense variant.
Genome position (GRCh38, 1-based): chr2:24,257,895, G>A on the plus strand (C>T on the coding strand, the complement: ITSN2 is on the minus strand). VCF-style: chr2-24257895-G-A. GRCh37 (hg19) VCF-style: chr2-24480764-G-A.
Other names: c.2839C>T, p.Arg947Trp (NM_001348181.2); c.2761C>T, p.Arg921Trp (NM_001348182.2, NM_001348186.2); c.2800C>T, p.Arg934Trp (NM_001348183.2, NM_019595.4); c.2758C>T, p.Arg920Trp (NM_001348184.2); c.2842C>T, p.Arg948Trp (NM_001348185.2); c.2881C>T, p.Arg961Trp (NM_147152.3); short protein forms R920W, R921W, R934W, R947W, R948W, R961W.
Identifiers: ClinVar variation 3051647 (VCV003051647.2), dbSNP rs547842218, ClinGen allele CA1551083.